The following is an entry in ClinVar:

NM_000548.5(TSC2):c.5075A>T (p.Glu1692Val)

Gene: TSC2 (TSC complex subunit 2; plus strand). Cytogenetic location: 16p13.3.
Variant type: single nucleotide variant.
Coding change: c.5075A>T on transcript NM_000548.5 (MANE Select); coding-DNA position 5075, A replaced by T.
Protein change: p.Glu1692Val; replaces glutamic acid 1692 with valine.
Molecular consequence: missense variant. On other transcripts: non-coding transcript variant (5).
Genome position (GRCh38, 1-based): chr16:2,088,054, A>T. VCF-style: chr16-2088054-A-T. GRCh37 (hg19) VCF-style: chr16-2138055-A-T.
Other names: c.4874A>T, p.Glu1625Val (NM_001077183.3); c.5006A>T, p.Glu1669Val (NM_001114382.3); c.4766A>T, p.Glu1589Val (NM_001318827.2); c.4730A>T, p.Glu1577Val (NM_001318829.2); c.4343A>T, p.Glu1448Val (NM_001318831.2); c.4907A>T, p.Glu1636Val (NM_001318832.2); c.4877A>T, p.Glu1626Val (NM_001363528.2); c.4859A>T, p.Glu1620Val (NM_001406675.1); and 26 more; short protein forms E1201V, E1425V, E1621V, E1636V, E1649V, E1091V, E1177V, E1221V.
Identifiers: ClinVar variation 5031279 (VCV005031279.1).
Genomic context (GRCh38, chr16:2,088,054, plus strand): 5'-CTGCAGTGTGGCGCCAAGAGCCCTGGGCCTGGCGTGACCACCAAGTCTCCCCAGACATGG[A>T]GGGCCTTGTGGACACCAGCGTGGCCAAGATCGTGTCTGACCGCAACCTGCCCTTCGTGGC-3'
Protein context (NP_000539.2, residues 1682-1702): LVSLQCRKDM[Glu1692Val]GLVDTSVAKI

ClinVar aggregate classification (germline): Uncertain significance (1 of 4 stars; one submission).

Conditions:
Hereditary cancer-predisposing syndrome. Also called: Neoplastic Syndromes, Hereditary; Tumor predisposition; Hereditary neoplastic syndrome; Hereditary Cancer Syndrome. Identifiers: Orphanet 140162, MedGen C0027672, MeSH D009386, MONDO:0015356.

gnomAD v4.1: 2 of 1,612,468 alleles (0.00012%); highest among the groups gnomAD compares: Non-Finnish European, 0.00017%; no homozygotes.

Submission:

Ambry Genetics
Classification: Uncertain significance for Hereditary cancer-predisposing syndrome. Last evaluated: 2026-07-06. Review status: criteria provided, single submitter. Criteria: Ambry Variant Classification Scheme 2023. Collection method: clinical testing. Allele origin: germline.
Comment: The p.E1692V variant (also known as c.5075A>T), located in coding exon 39 of the TSC2 gene, results from an A to T substitution at nucleotide position 5075. The glutamic acid at codon 1692 is replaced by valine, an amino acid with dissimilar properties. This amino acid position is conserved. In addition, this alteration is predicted to be deleterious by in silico analysis. Based on the available evidence, the clinical significance of this variant remains unclear.